The following is an entry in ClinVar:

ClinVar aggregate classification (germline): Uncertain significance (1 of 4 stars; one submission).

Allele frequency attached by ClinVar (database versions not stated): gnomAD exomes below 0.00001; ExAC 0.00002.
gnomAD v4.1: 8 of 1,614,104 alleles (0.0005%); highest among the groups gnomAD compares: South Asian, 0.0066%; no homozygotes.

Submission:

GeneDx
Classification: Uncertain significance. Last evaluated: 2023-01-31. Review status: criteria provided, single submitter. Criteria: GeneDx Variant Classification Process June 2021. Collection method: clinical testing. Allele origin: germline. Affected: yes.
Comment: Not observed at significant frequency in large population cohorts (gnomAD); In silico analysis supports that this missense variant has a deleterious effect on protein structure/function; Has not been previously published as pathogenic or benign to our knowledge

NM_015386.3(COG4):c.629C>T (p.Ala210Val)

Gene: COG4 (component of oligomeric golgi complex 4; minus strand). Cytogenetic location: 16q22.1.
Variant type: single nucleotide variant.
Coding change: c.629C>T on transcript NM_015386.3 (MANE Select); coding-DNA position 629, C replaced by T.
Protein change: p.Ala210Val; replaces alanine 210 with valine.
Molecular consequence: missense variant. On other transcripts: non-coding transcript variant (1).
Genome position (GRCh38, 1-based): chr16:70,512,348, G>A on the plus strand (C>T on the coding strand, the complement: COG4 is on the minus strand). VCF-style: chr16-70512348-G-A. GRCh37 (hg19) VCF-style: chr16-70546251-G-A.
Other names: c.617C>T, p.Ala206Val (NM_001195139.2); c.203C>T, p.Ala68Val (NM_001365426.1); short protein forms A206V, A210V, A68V.
Identifiers: ClinVar variation 2574215 (VCV002574215.1), dbSNP rs758428491, ClinGen allele CA8144630.